The following is an entry in ClinVar:

ClinVar aggregate classification (germline): Conflicting classifications of pathogenicity. Review status: criteria provided, conflicting classifications (1 of 4 stars). 12 submissions from 12 submitters: Uncertain significance (8); Likely benign (3). 1 of the submissions does not count toward it. Last evaluated 2025-12-17.

Conditions:
Hereditary breast ovarian cancer syndrome. Also called: Hereditary breast and ovarian cancer; Hereditary breast and ovarian cancer syndrome; Breast and ovarian cancer; Hereditary breast and ovarian cancer syndrome (HBOC); Hereditary breast and/or ovarian cancer syndrome; BRCA1- and BRCA2-Associated Hereditary Breast and Ovarian Cancer. Identifiers: Orphanet 145, MedGen C0677776, MeSH D061325, MONDO:0003582. Disease mechanism: loss of function.
Hereditary cancer-predisposing syndrome. Also called: Hereditary Cancer Syndrome; Neoplastic Syndromes, Hereditary; Tumor predisposition; Hereditary neoplastic syndrome. Identifiers: Orphanet 140162, MedGen C0027672, MeSH D009386, MONDO:0015356.
Breast-ovarian cancer, familial, susceptibility to, 2 (BROVCA2). Also called: BRCA2 Hereditary Breast and Ovarian Cancer. Identifiers: Orphanet 145, MedGen C2675520, MONDO:0012933, OMIM 612555. Disease mechanism: loss of function.
Familial cancer of breast. Also called: BREAST CANCER, FAMILIAL; Hereditary breast cancer; hereditary breast carcinoma. Identifiers: Orphanet 227535, MedGen C0346153, MONDO:0016419, OMIM 114480. Disease mechanism: loss of function.

Allele frequency attached by ClinVar (database versions not stated): gnomAD exomes 0.00001.
gnomAD v4.1: 11 of 1,607,236 alleles (0.00068%); highest among the groups gnomAD compares: African/African-American, 0.0027%; no homozygotes.

Submissions (12):

Labcorp Genetics (formerly Invitae), Labcorp
Classification: Uncertain significance for Hereditary breast ovarian cancer syndrome. Last evaluated: 2025-12-17. Review status: criteria provided, single submitter. Criteria: Invitae Variant Classification Sherloc (09022015). Collection method: clinical testing. Allele origin: germline.
Comment: This sequence change replaces glutamic acid, which is acidic and polar, with lysine, which is basic and polar, at codon 1734 of the BRCA2 protein (p.Glu1734Lys). This variant is present in population databases (rs786202543, gnomAD 0.005%). This missense change has been observed in individual(s) with breast cancer and/or ovarian cancer (PMID: 24010542, 29470806, 30254663, 31837001). ClinVar contains an entry for this variant (Variation ID: 185896). Invitae Evidence Modeling of protein sequence and biophysical properties (such as structural, functional, and spatial information, amino acid conservation, physicochemical variation, residue mobility, and thermodynamic stability) indicates that this missense variant is not expected to disrupt BRCA2 protein function with a negative predictive value of 95%. In summary, the available evidence is currently insufficient to determine the role of this variant in disease. Therefore, it has been classified as a Variant of Uncertain Significance.

Quest Diagnostics Nichols Institute San Juan Capistrano
Classification: Uncertain significance. Last evaluated: 2025-07-29. Review status: criteria provided, single submitter. Criteria: Quest Diagnostics criteria. Collection method: clinical testing. Allele origin: unknown.
Comment: The BRCA2 c.5200G>A (p.Glu1734Lys) variant is predicted to cause the premature termination of BRCA2 protein synthesis. This variant has been reported in the published literature in individuals and families with breast and/or ovarian cancer (PMID: 31837001 (2020), 30254663 (2018), 29470806 (2018), 24010542 (2014)) as well as in reportedly unaffected individuals (PMID: 32467295 (2020), 30287823 (2018)). In a large scale breast cancer association study, the variant was observed in reportedly unaffected individuals and not among the breast cancer cases (PMID: 33471991 (2021), see also LOVD). The frequency of this variant in the general population (Genome Aggregation Database) is uninformative in the assessment of its pathogenicity. Analysis of this variant using bioinformatics tools for the prediction of the effect of amino acid changes on protein structure and function yielded predictions that this variant is benign. Based on the available information, we are unable to determine the clinical significance of this variant.

Ambry Genetics
Classification: Likely benign for Hereditary cancer-predisposing syndrome. Last evaluated: 2025-06-20. Review status: criteria provided, single submitter. Criteria: Ambry Variant Classification Scheme 2023. Collection method: clinical testing. Allele origin: germline.

Department of Pathology and Laboratory Medicine, Sinai Health System
Classification: Uncertain significance for Familial cancer of breast; Breast-ovarian cancer, familial, susceptibility to, 2. Last evaluated: 2023-08-01. Review status: criteria provided, single submitter. Criteria: ACMG Guidelines, 2015. Collection method: clinical testing. Allele origin: germline. Affected: yes.

University of Washington Department of Laboratory Medicine, University of Washington
Classification: Likely benign for Hereditary cancer-predisposing syndrome. Last evaluated: 2023-03-23. Review status: criteria provided, single submitter. Criteria: Dines et al. (Genet Med. 2020). Collection method: curation. Allele origin: germline.
Comment: Missense variant in a coldspot region where missense variants are very unlikely to be pathogenic (PMID:31911673).

BRCA2 exon 11 coldspot. Reclassification based on statistical prior probability.

GeneDx
Classification: Uncertain significance. Last evaluated: 2022-12-20. Review status: criteria provided, single submitter. Criteria: GeneDx Variant Classification Process June 2021. Collection method: clinical testing. Allele origin: germline. Affected: yes.
Comment: In silico analysis supports that this missense variant has a deleterious effect on protein structure/function; Not observed at significant frequency in large population cohorts (gnomAD); Also known as 5428G>A; This variant is associated with the following publications: (PMID: 30254663, 24010542, 24807215, 29470806, 30287823, 31837001, 35159047, 31853058, 29884841, 32377563, 33471991, 32467295, 32980694)

St. Jude Molecular Pathology, St. Jude Children's Research Hospital
Classification: Uncertain significance for Breast-ovarian cancer, familial, susceptibility to, 2. Last evaluated: 2022-11-29. Review status: criteria provided, single submitter. Criteria: St. Jude Assertion Criteria 2020. Collection method: clinical testing. Allele origin: germline.
Comment: The BRCA2 c.5200G>A (p.Glu1734Lys) missense change has a maximum subpopulation frequency of 0.0018% in gnomAD v2.1.1. The in silico tool REVEL predicts a benign effect on protein function, but to our knowledge this prediction has not been confirmed by functional studies. This variant has been reported in individuals with a personal and/or family history of breast and/or ovarian cancer (PMID: 24010542, 29470806, 30254663), as well as in unaffected individuals (PMID: 30287823, 32467295). This variant is absent in the FLOSSIES database, which contains genetic variants from women older than 70 years of age who have never had cancer. To our knowledge, this variant has not been reported in individuals with Fanconi anemia. In summary, the evidence currently available is insufficient to determine the clinical significance of this variant. It has therefore been classified as of uncertain significance.

Women's Health and Genetics/Laboratory Corporation of America, LabCorp
Classification: Uncertain significance. Last evaluated: 2021-12-21. Review status: criteria provided, single submitter. Criteria: LabCorp Variant Classification Summary - May 2015. Collection method: clinical testing. Allele origin: germline.
Comment: Variant summary: BRCA2 c.5200G>A (p.Glu1734Lys) results in a conservative amino acid change in the encoded protein sequence. Five of five in-silico tools predict a benign effect of the variant on protein function. The variant allele was found at a frequency of 1.2e-05 in 246610 control chromosomes (gnomAD). The available data on variant occurrences in the general population are insufficient to allow any conclusion about variant significance. The variant, c.5200G>A, has been reported in the literature in individuals affected with breast and/or ovarian cancer (Konstantopoulou_2014, Zuntini_2018, Singh_2018, Guo_2020), however it was also reported in several healthy controls (Momozawa_2018, Dorling_2021, Dong_2021). These reports do not provide unequivocal conclusions about association of the variant with Hereditary Breast and Ovarian Cancer Syndrome. To our knowledge, no experimental evidence demonstrating an impact on protein function has been reported. Four clinical diagnostic laboratories have submitted clinical-significance assessments for this variant to ClinVar after 2014, and classified the variant as VUS (n=3), or likely benign (n=1). Based on the evidence outlined above, the variant was classified as uncertain significance.

Sema4
Classification: Uncertain significance for Hereditary cancer-predisposing syndrome. Last evaluated: 2021-06-11. Review status: criteria provided, single submitter. Criteria: Sema4 Curation Guidelines. Collection method: curation. Allele origin: germline.
Comment: The BRCA2 c.5200G>A (p.E1734K) variant has been reported in several individuals with breast and/or ovarian cancer (PMID: 29470806, 30254663, 24010542), but was also identified in healthy controls (PMID: 33471991, 30287823, 32980694). It was observed in 3/246610 chromosomes in the large and broad cohorts of the Genome Aggregation Database (PMID: 32461654). The variant has been reported in ClinVar (Variation ID 185896). In silico tools suggest the impact of the variant on protein function is inconclusive, though these predictions have not been confirmed by functional studies. The evidence is insufficient to meet ACMG/AMP criteria for classifying the variant as benign or pathogenic. Thus, the clinical significance of this variant is currently uncertain.

Genetic Services Laboratory, University of Chicago
Classification: Uncertain significance. Last evaluated: 2020-04-22. Review status: criteria provided, single submitter. Criteria: ACMG Guidelines, 2015. Collection method: clinical testing. Allele origin: germline. Affected: no.

Color Diagnostics, LLC DBA Color Health
Classification: Likely benign for Hereditary cancer-predisposing syndrome. Last evaluated: 2016-09-09. Review status: criteria provided, single submitter. Criteria: ACMG Guidelines, 2015. Collection method: clinical testing. Allele origin: germline.

Department of Medical and Surgical Sciences, University of Bologna
Classification: Likely benign for Breast-ovarian cancer, familial, susceptibility to, 2. Last evaluated: 2023-09-01. Review status: no assertion criteria provided. Collection method: clinical testing. Allele origin: germline. Affected: yes. Not counted in ClinVar's aggregate classification.
Comment: BP1(Strong) according to ACMG/AMP classification guidelines specified for BRCA1 & BRCA2 (Classification Criteria V1.0.0 2023-09-08) (PMID: 38160042)

Literature cited by the submitters: PubMed 24010542 (cited by 6 submitters); PubMed 29470806 (cited by 5 submitters); PubMed 30254663 (cited by 5 submitters); PubMed 31837001 (cited by 3 submitters); PubMed 31911673 (cited by Quest Diagnostics Nichols Institute San Juan Capistrano and Department of Pathology and Laboratory Medicine, Sinai Health System); PubMed 32467295 (cited by Quest Diagnostics Nichols Institute San Juan Capistrano and Women's Health and Genetics/Laboratory Corporation of America, LabCorp); PubMed 30287823 (cited by 4 submitters); PubMed 33471991 (cited by 3 submitters); PubMed 32980694 (cited by Department of Pathology and Laboratory Medicine, Sinai Health System and Sema4).

NM_000059.4(BRCA2):c.5200G>A (p.Glu1734Lys)

Gene: BRCA2 (BRCA2 DNA repair associated; plus strand). Cytogenetic location: 13q13.1.
Variant type: single nucleotide variant.
Coding change: c.5200G>A on transcript NM_000059.4 (MANE Select); coding-DNA position 5200, G replaced by A.
Protein change: p.Glu1734Lys; replaces glutamic acid 1734 with lysine.
Molecular consequence: missense variant.
Genome position (GRCh38, 1-based): chr13:32,339,555, G>A. VCF-style: chr13-32339555-G-A. GRCh37 (hg19) VCF-style: chr13-32913692-G-A.
Other names: short protein forms E1734K.
Identifiers: ClinVar variation 185896 (VCV000185896.30), dbSNP rs786202543, ClinGen allele CA021678.